The following is an entry in ClinVar:

ClinVar aggregate classification (germline): Pathogenic (1 of 4 stars; one submission).

Conditions:
Cranioectodermal dysplasia 1 (CED1). Also called: LEVIN SYNDROME I. Identifiers: Orphanet 1515, MedGen C0432235, MONDO:0021093, OMIM 218330.

Submission:

Labcorp Genetics (formerly Invitae), Labcorp
Classification: Pathogenic for Cranioectodermal dysplasia 1. Last evaluated: 2025-03-07. Review status: criteria provided, single submitter. Criteria: Invitae Variant Classification Sherloc (09022015). Collection method: clinical testing. Allele origin: germline.
Comment: This sequence change creates a premature translational stop signal (p.Ser1042Leufs*5) in the IFT122 gene. It is expected to result in an absent or disrupted protein product. Loss-of-function variants in IFT122 are known to be pathogenic (PMID: 20493458, 23826986, 26792575). This variant is not present in population databases (gnomAD no frequency). This variant has not been reported in the literature in individuals affected with IFT122-related conditions. For these reasons, this variant has been classified as Pathogenic.

Literature cited by the submitters: PubMed 20493458; PubMed 23826986; PubMed 26792575.

NM_052989.3(IFT122):c.2970dup (p.Ser991fs)

Gene: IFT122 (intraflagellar transport 122; plus strand). Cytogenetic location: 3q22.1.
Variant type: Duplication.
Coding change: c.2970dup on transcript NM_052989.3 (MANE Select); coding-DNA position 2970, one base duplicated (C; older notation c.2970dupC).
Protein change: p.Ser991fs; shifts the reading frame from serine 991.
Molecular consequence: frameshift variant.
Genome position (GRCh38, 1-based): chr3:129,512,395, C duplicated; the last of 5 consecutive C bases (chr3:129,512,391-129,512,395); duplicating any one gives the same sequence. VCF-style (leftmost placement, unchanged base first): chr3-129512390-A-AC. GRCh37 (hg19) VCF-style: chr3-129231233-A-AC.
Other names: c.2949dup, p.Ser984fs (NM_001280541.2); c.2520dup, p.Ser841fs (NM_001280545.2); c.2343dup, p.Ser782fs (NM_001280546.2); c.2973dup, p.Ser992fs (NM_001410808.1); c.2916dup, p.Ser973fs (NM_001410809.1); c.2796dup, p.Ser933fs (NM_001410810.1); c.2742dup, p.Ser915fs (NM_001410811.1); c.2739dup, p.Ser914fs (NM_001410813.1); and 10 more; short protein forms S1042fs, S782fs, S841fs, S862fs, S863fs, S880fs, S881fs, S914fs.
Identifiers: ClinVar variation 4811999 (VCV004811999.1).